The following is an entry in ClinVar:

ClinVar aggregate classification (germline): Conflicting classifications of pathogenicity. Review status: criteria provided, conflicting classifications (1 of 4 stars). 2 submissions from 2 submitters: Uncertain significance (1); Likely benign (1). Last evaluated 2025-03-05.

Conditions:
Glycogen storage disease, type VII (GSD7). Also called: GSD VII; MUSCLE PHOSPHOFRUCTOKINASE DEFICIENCY; PFKM DEFICIENCY; TARUI DISEASE. Identifiers: Orphanet 371, MedGen C0017926, MONDO:0009295, OMIM 232800.

Allele frequency attached by ClinVar (database versions not stated): ESP Exome Variant Server 0.00008; gnomAD 0.00011; TOPMed 0.00011; gnomAD exomes 0.00018 and 0.00029; ExAC 0.00020.
gnomAD v4.1: 439 of 1,613,986 alleles (0.027%); highest among the groups gnomAD compares: Non-Finnish European, 0.036%; no homozygotes.

Submissions (2):

Mayo Clinic Laboratories, Mayo Clinic
Classification: Likely benign. Last evaluated: 2025-03-05. Review status: criteria provided, single submitter. Criteria: ACMG Guidelines, 2015. Collection method: clinical testing. Allele origin: germline. Observed: 2 variant alleles.
Comment: BP4, BP7

Illumina Laboratory Services, Illumina
Classification: Uncertain significance for Glycogen storage disease, type VII. Last evaluated: 2018-01-13. Review status: criteria provided, single submitter. Criteria: ICSL Variant Classification Criteria 13 December 2019. Collection method: clinical testing. Allele origin: germline.

NM_000289.6(PFKM):c.*3C>T

Gene: PFKM (phosphofructokinase, muscle; plus strand). Cytogenetic location: 12q13.11.
Variant type: single nucleotide variant.
Coding change: c.*3C>T on transcript NM_000289.6 (MANE Select); 3 bases downstream of the stop codon, C replaced by T.
Molecular consequence: 3 prime UTR variant. On other transcripts: non-coding transcript variant (6).
Genome position (GRCh38, 1-based): chr12:48,145,711, C>T. VCF-style: chr12-48145711-C-T. GRCh37 (hg19) VCF-style: chr12-48539494-C-T.
Other names: c.*3C>T (NM_001166686.2, NM_001166687.2, NM_001166688.2 and 15 more transcripts).
Identifiers: ClinVar variation 308959 (VCV000308959.6), dbSNP rs367783282, ClinGen allele CA6537595.